The following is an entry in ClinVar:

NM_005677.4(COLQ):c.367-129A>C

Gene: COLQ (collagen like tail subunit of asymmetric acetylcholinesterase; minus strand). Cytogenetic location: 3p25.1.
Variant type: single nucleotide variant.
Coding change: c.367-129A>C on transcript NM_005677.4 (MANE Select); 129 bases into the intron before coding-DNA position 367, A replaced by C.
Molecular consequence: intron variant.
Genome position (GRCh38, 1-based): chr3:15,479,132, T>G on the plus strand (A>C on the coding strand, the complement: COLQ is on the minus strand). VCF-style: chr3-15479132-T-G. GRCh37 (hg19) VCF-style: chr3-15520639-T-G.
Other names: c.265-129A>C (NM_080539.4); c.337-129A>C (NM_080538.2).
Identifiers: ClinVar variation 679247 (VCV000679247.2), dbSNP rs2290538, ClinGen allele CA11437823.

ClinVar aggregate classification (germline): Benign. Review status: criteria provided, multiple submitters, no conflicts (2 of 4 stars). 2 submissions from 2 submitters: Benign (2). Last evaluated 2018-06-19.

Allele frequency attached by ClinVar (database versions not stated): 1000 Genomes Project 30x 0.24500; 1000 Genomes Project 0.24780; gnomAD 0.24864 and 0.24991; TOPMed 0.24976.
gnomAD v4.1: 342,594 of 1,237,058 alleles (28%); highest among the groups gnomAD compares: East Asian, 30%; 49,166 homozygotes.

Submissions (2):

GeneDx
Classification: Benign. Last evaluated: 2018-06-19. Review status: criteria provided, single submitter. Criteria: GeneDx Variant Classification (06012015). Collection method: clinical testing. Allele origin: germline. Affected: yes.
Comment: This variant is considered likely benign or benign based on one or more of the following criteria: it is a conservative change, it occurs at a poorly conserved position in the protein, it is predicted to be benign by multiple in silico algorithms, and/or has population frequency not consistent with disease.

Breakthrough Genomics
Classification: Benign. Review status: criteria provided, single submitter. Criteria: ACMG Guidelines, 2015. Collection method: not provided. Allele origin: germline. Inheritance: Autosomal recessive inheritance. Affected: yes.